The following is an entry in ClinVar:

ClinVar aggregate classification (germline): Pathogenic. Review status: criteria provided, single submitter (1 of 4 stars). 3 submissions from 3 submitters: Pathogenic (1). 2 of the submissions do not count toward it. Last evaluated 2023-05-16.

Conditions:
Leukocyte adhesion deficiency 1 (LAD1). Also called: LEUKOCYTE ADHESION DEFICIENCY, TYPE I; LAD 1; Lymphocyte function-associated antigen 1 immunodeficiency; LFA 1 immunodeficiency. Identifiers: Orphanet 2968, Orphanet 99842, MedGen C0398738, MONDO:0007293, OMIM 116920.

Submissions (3):

Labcorp Genetics (formerly Invitae), Labcorp
Classification: Pathogenic for Leukocyte adhesion deficiency 1. Last evaluated: 2023-05-16. Review status: criteria provided, single submitter. Criteria: Invitae Variant Classification Sherloc (09022015). Collection method: clinical testing. Allele origin: germline.
Comment: This sequence change replaces aspartic acid, which is acidic and polar, with tyrosine, which is neutral and polar, at codon 128 of the ITGB2 protein (p.Asp128Tyr). This variant is not present in population databases (gnomAD no frequency). This missense change has been observed in individual(s) with leukocyte adhesion deficiency type 1 (LAD1) (PMID: 20549317, 32279896). It has also been observed to segregate with disease in related individuals. ClinVar contains an entry for this variant (Variation ID: 68215). Advanced modeling of protein sequence and biophysical properties (such as structural, functional, and spatial information, amino acid conservation, physicochemical variation, residue mobility, and thermodynamic stability) has been performed at Invitae for this missense variant, however the output from this modeling did not meet the statistical confidence thresholds required to predict the impact of this variant on ITGB2 protein function. Experimental studies have shown that this missense change affects ITGB2 function (PMID: 28445705). This variant disrupts the p.Asp128 amino acid residue in ITGB2. Other variant(s) that disrupt this residue have been determined to be pathogenic (PMID: 1590804, 24338230, 26497373; Invitae). This suggests that this residue is clinically significant, and that variants that disrupt this residue are likely to be disease-causing. For these reasons, this variant has been classified as Pathogenic.

Genomic Research Center, Shahid Beheshti University of Medical Sciences
Classification: Pathogenic for Leukocyte adhesion deficiency type 1. Review status: no assertion criteria provided. Collection method: not provided. Allele origin: inherited. Study: Mutation spectra of the ITGB2 gene in Iranian families with leukocyte adhesion deficiency type 1. Not counted in ClinVar's aggregate classification.
ClinVar note: Converted during submission from pathogenic to Pathogenic.

UniProtKB/Swiss-Prot
No classification provided. Review status: no classification provided. Collection method: not provided. Allele origin: not provided. Not counted in ClinVar's aggregate classification.

Literature cited by the submitters: PubMed 20549317 (cited by Labcorp Genetics (formerly Invitae), Labcorp); PubMed 32279896 (cited by Labcorp Genetics (formerly Invitae), Labcorp); PubMed 28445705 (cited by Labcorp Genetics (formerly Invitae), Labcorp); PubMed 1590804 (cited by Labcorp Genetics (formerly Invitae), Labcorp); PubMed 24338230 (cited by Labcorp Genetics (formerly Invitae), Labcorp); PubMed 26497373 (cited by Labcorp Genetics (formerly Invitae), Labcorp).

NM_000211.5(ITGB2):c.382G>T (p.Asp128Tyr)

Gene: ITGB2 (integrin subunit beta 2; minus strand). Cytogenetic location: 21q22.3.
Variant type: single nucleotide variant.
Coding change: c.382G>T on transcript NM_000211.5 (MANE Select); coding-DNA position 382, G replaced by T.
Protein change: p.Asp128Tyr; replaces aspartic acid 128 with tyrosine.
Molecular consequence: missense variant.
Genome position (GRCh38, 1-based): chr21:44,903,482, C>A on the plus strand (G>T on the coding strand, the complement: ITGB2 is on the minus strand). VCF-style: chr21-44903482-C-A. GRCh37 (hg19) VCF-style: chr21-46323397-C-A.
Other names: c.382G>T (LRG_76t1); c.382G>T, p.Asp128Tyr (NM_001127491.3); c.175G>T, p.Asp59Tyr (NM_001303238.2); short protein forms D128Y, D59Y.
Identifiers: ClinVar variation 68215 (VCV000068215.7), dbSNP rs137852615, ClinGen allele CA219185.